The following is an entry in ClinVar:

NM_000384.3(APOB):c.12794T>C (p.Val4265Ala)

Gene: APOB (apolipoprotein B; minus strand). Cytogenetic location: 2p24.1.
Variant type: single nucleotide variant.
Coding change: c.12794T>C on transcript NM_000384.3 (MANE Select); coding-DNA position 12794, T replaced by C.
Protein change: p.Val4265Ala; replaces valine 4265 with alanine.
Molecular consequence: missense variant.
Genome position (GRCh38, 1-based): chr2:21,002,628, A>G on the plus strand (T>C on the coding strand, the complement: APOB is on the minus strand). VCF-style: chr2-21002628-A-G. GRCh37 (hg19) VCF-style: chr2-21225500-A-G.
Other names: p.Val4265Ala; short protein forms V4265A.
Identifiers: ClinVar variation 237738 (VCV000237738.75), dbSNP rs61743502, ClinGen allele CA051139.
Genomic context (GRCh38, chr2:21,002,628, plus strand): 5'-TTAAATACCTCTTGGGCTTCTTTTGATAAATCTTTCAACAGTTCCCTATACATCGAGATT[A>G]CATCTATTAGTTTATGTTTCCTTAACTCGAAAGGAAGTGTAATCACTAGGTCTTGGAAAT-3'
Protein context (NP_000375.3, residues 4255-4275): FELRKHKLID[Val4265Ala]ISMYRELLKD

ClinVar aggregate classification (germline): Conflicting classifications of pathogenicity. Review status: criteria provided, conflicting classifications (1 of 4 stars). 17 submissions from 16 submitters: Uncertain significance (1); Benign (7); Likely benign (6). 3 of the submissions do not count toward it. Last evaluated 2026-09-01.

Conditions:
Cardiovascular phenotype. Identifiers: MedGen CN230736.
Familial hypobetalipoproteinemia 1. Also called: Hypobetalipoproteinemia, normotriglyceridemic; Acanthocytosis with hypobetalipoproteinemia; APOB-Related Familial Hypobetalipoproteinemia. Identifiers: MedGen C4551990, MONDO:0014252, OMIM 615558.
Hypercholesterolemia, autosomal dominant, type B (FHCL2). Also called: APOB-Related Familial Hypercholesterolemia, Autosomal Dominant; Familial hypercholesterolemia 2; APOLIPOPROTEIN B-100, FAMILIAL DEFECTIVE; APOLIPOPROTEIN B-100, FAMILIAL LIGAND-DEFECTIVE; Familial Hypercholesterolemia Type B; Hyperlipoproteinemia Type IIb. Identifiers: MedGen C1704417, MONDO:0007751, OMIM 144010.
Familial hypercholesterolemia. Also called: Familial hypercholesterolaemia; Familial hypercholesterolemias. Identifiers: MedGen C0020445, MONDO:0005439.
Hypercholesterolemia, familial, 1. Also called: LDL RECEPTOR DISORDER; Hyperlipoproteinemia Type IIa; HYPER-LOW-DENSITY-LIPOPROTEINEMIA; HYPERCHOLESTEROLEMIC XANTHOMATOSIS, FAMILIAL; Fredrickson type IIa hyperlipoproteinemia; Hyperlipoproteinemia type 2. Identifiers: Orphanet 391665, MedGen C0745103, MONDO:0007750, OMIM 143890.

Allele frequency attached by ClinVar (database versions not stated): TOPMed 0.00489; gnomAD exomes 0.00507 and 0.00898; gnomAD 0.00510 and 0.00516; ExAC 0.00514; ESP Exome Variant Server 0.00654; 1000 Genomes Project 0.00200; 1000 Genomes Project 30x 0.00203.
gnomAD v4.1: 13,817 of 1,613,992 alleles (0.86%); highest among the groups gnomAD compares: Non-Finnish European, 1.1%; 84 homozygotes.

Submissions (17):

CeGaT Center for Human Genetics Tuebingen
Classification: Benign. Last evaluated: 2026-09-01. Review status: criteria provided, single submitter. Criteria: CeGaT Center For Human Genetics Tuebingen Variant Classification Criteria Version 2. Collection method: clinical testing. Allele origin: germline. Affected: yes. Observed: 49 variant alleles.
Comment: APOB: BP4, BS1, BS2

Labcorp Genetics (formerly Invitae), Labcorp
Classification: Benign for Familial hypobetalipoproteinemia 1; Hypercholesterolemia, autosomal dominant, type B. Last evaluated: 2026-02-03. Review status: criteria provided, single submitter. Criteria: Invitae Variant Classification Sherloc (09022015). Collection method: clinical testing. Allele origin: germline.

Molecular Diagnostic Laboratory for Inherited Cardiovascular Disease, Montreal Heart Institute
Classification: Likely benign. Last evaluated: 2025-04-09. Review status: criteria provided, single submitter. Criteria: ACMG Guidelines, 2015. Collection method: clinical testing. Allele origin: germline. Affected: no.
Comment: BS1;BP6

ARUP Laboratories, Molecular Genetics and Genomics, ARUP Laboratories
Classification: Likely benign. Last evaluated: 2025-01-15. Review status: criteria provided, single submitter. Criteria: ARUP Molecular Germline Variant Investigation Process 2024. Collection method: clinical testing. Allele origin: germline.

Mayo Clinic Laboratories, Mayo Clinic
Classification: Benign. Last evaluated: 2024-12-26. Review status: criteria provided, single submitter. Criteria: ACMG Guidelines, 2015. Collection method: clinical testing. Allele origin: germline. Observed: 20 variant alleles.
Comment: BS1, BP4

Blueprint Genetics
Classification: Benign. Last evaluated: 2024-11-21. Review status: criteria provided, single submitter. Criteria: ACMG Guidelines, 2015. Collection method: clinical testing. Allele origin: germline.

GENinCode PLC
Classification: Benign for Familial hypercholesterolemia. Last evaluated: 2022-11-14. Review status: criteria provided, single submitter. Criteria: ACMG Guidelines, 2015. Collection method: clinical testing. Allele origin: germline.

Quest Diagnostics Nichols Institute San Juan Capistrano
Classification: Benign. Last evaluated: 2022-06-12. Review status: criteria provided, single submitter. Criteria: Quest Diagnostics criteria. Collection method: clinical testing. Allele origin: unknown.

GeneDx
Classification: Likely benign. Last evaluated: 2020-11-05. Review status: criteria provided, single submitter. Criteria: GeneDx Variant Classification Process June 2021. Collection method: clinical testing. Allele origin: germline. Affected: yes.
Comment: This variant is associated with the following publications: (PMID: 30270084, 18710658, 26415676, 27153395, 33111339)

Color Diagnostics, LLC DBA Color Health
Classification: Likely benign for Familial hypercholesterolemias. Last evaluated: 2018-06-29. Review status: criteria provided, single submitter. Criteria: ACMG Guidelines, 2015. Collection method: clinical testing. Allele origin: germline.

Ambry Genetics
Classification: Likely benign for Cardiovascular phenotype. Last evaluated: 2018-05-21. Review status: criteria provided, single submitter. Criteria: Ambry Variant Classification Scheme 2023. Collection method: clinical testing. Allele origin: germline.

Illumina Laboratory Services, Illumina
Classification: Uncertain significance for Familial hypobetalipoproteinemia 1. Last evaluated: 2018-01-13. Review status: criteria provided, single submitter. Criteria: ICSL Variant Classification Criteria 13 December 2019. Collection method: clinical testing. Allele origin: germline.

Illumina Laboratory Services, Illumina
Classification: Likely benign for Hypercholesterolemia, autosomal dominant, type B. Last evaluated: 2018-01-13. Review status: criteria provided, single submitter. Criteria: ICSL Variant Classification Criteria 13 December 2019. Collection method: clinical testing. Allele origin: germline.
Comment: This variant was observed in the ICSL laboratory as part of a predisposition screen in an ostensibly healthy population. It had not been previously curated by ICSL or reported in the Human Gene Mutation Database (HGMD: prior to June 1st, 2018), and was therefore a candidate for classification through an automated scoring system. Utilizing variant allele frequency, disease prevalence and penetrance estimates, and inheritance mode, an automated score was calculated to assess if this variant is too frequent to cause the disease. Based on the score and internal cut-off values, a variant classified as likely benign is not then subjected to further curation. The score for this variant resulted in a classification of likely benign for this disease.

Robarts Research Institute, Western University
Classification: Benign for Hypercholesterolemia, familial, 1. Last evaluated: 2018-01-02. Review status: criteria provided, single submitter. Criteria: ACMG Guidelines, 2015. Collection method: clinical testing. Allele origin: germline. Inheritance: Autosomal dominant inheritance. Affected: yes.

Clinical Genetics DNA and cytogenetics Diagnostics Lab, Erasmus MC, Erasmus Medical Center
Classification: Likely benign. Review status: no assertion criteria provided. Collection method: clinical testing. Allele origin: germline. Affected: yes. Study: VKGL Data-share Consensus. Not counted in ClinVar's aggregate classification.

Clinical Genetics, Academic Medical Center
Classification: Benign. Review status: no assertion criteria provided. Collection method: clinical testing. Allele origin: germline. Affected: yes. Study: VKGL Data-share Consensus. Not counted in ClinVar's aggregate classification.

Diagnostic Laboratory, Department of Genetics, University Medical Center Groningen
Classification: Likely benign. Review status: no assertion criteria provided. Collection method: clinical testing. Allele origin: germline. Affected: yes. Study: VKGL Data-share Consensus. Not counted in ClinVar's aggregate classification.

Literature cited by the submitters: PubMed 27153395 (cited by Mayo Clinic Laboratories, Mayo Clinic and Quest Diagnostics Nichols Institute San Juan Capistrano); PubMed 33111339 (cited by Mayo Clinic Laboratories, Mayo Clinic and Quest Diagnostics Nichols Institute San Juan Capistrano); PubMed 34456049 (cited by Mayo Clinic Laboratories, Mayo Clinic); PubMed 37937776 (cited by Mayo Clinic Laboratories, Mayo Clinic); PubMed 26415676 (cited by Quest Diagnostics Nichols Institute San Juan Capistrano); PubMed 19602640 (cited by Quest Diagnostics Nichols Institute San Juan Capistrano).